The following is an entry in ClinVar:

ClinVar aggregate classification (germline): Uncertain significance. Review status: criteria provided, multiple submitters, no conflicts (2 of 4 stars). 2 submissions from 2 submitters: Uncertain significance (2). Last evaluated 2023-04-15.

Conditions:
Hyperornithinemia-hyperammonemia-homocitrullinuria syndrome (HHHS). Also called: HHH SYNDROME; Ornithine translocase deficiency. Identifiers: Orphanet 415, MedGen C0268540, MONDO:0009393, OMIM 238970.

Submissions (2):

Labcorp Genetics (formerly Invitae), Labcorp
Classification: Uncertain significance for Hyperornithinemia-hyperammonemia-homocitrullinuria syndrome. Last evaluated: 2023-04-15. Review status: criteria provided, single submitter. Criteria: Invitae Variant Classification Sherloc (09022015). Collection method: clinical testing. Allele origin: germline.
Comment: In summary, the available evidence is currently insufficient to determine the role of this variant in disease. Therefore, it has been classified as a Variant of Uncertain Significance. Advanced modeling of protein sequence and biophysical properties (such as structural, functional, and spatial information, amino acid conservation, physicochemical variation, residue mobility, and thermodynamic stability) performed at Invitae indicates that this missense variant is expected to disrupt SLC25A15 protein function. ClinVar contains an entry for this variant (Variation ID: 203940). This sequence change replaces phenylalanine, which is neutral and non-polar, with serine, which is neutral and polar, at codon 169 of the SLC25A15 protein (p.Phe169Ser). This variant has not been reported in the literature in individuals affected with SLC25A15-related conditions. This variant is not present in population databases (gnomAD no frequency).

GeneDx
Classification: Uncertain significance. Last evaluated: 2013-07-25. Review status: criteria provided, single submitter. Criteria: GeneDx Variant Classification (06012015). Collection method: clinical testing. Allele origin: germline. Affected: yes.
Comment: p.Phe169Ser (TTC>TCC): c.506 T>C in exon 5 of the SLC25A15 gene (NM_014252.3)A variant of unknown significance has been identified in the SLC25A15 gene. The F169S missense substitution has not been published as a mutation, nor has it been reported as a benign polymorphism to our knowledge. The amino acid change is non-conservative as a large, non-polar Phenylalanine residue is replaced by a small, polar Serine residue. This change occurs at a position in the SLC25A15 protein that is conserved in mammals. In-silico analyses are not consistent in their predictions of whether or not F169S is damaging to the SLC25A15 protein. Therefore, based on the currently available information, it is unclear whether F169S is a disease-causing mutation or a rare benign variant. The variant is found in UCD-MET panel(s).

NM_014252.4(SLC25A15):c.506T>C (p.Phe169Ser)

Gene: SLC25A15 (solute carrier family 25 member 15; plus strand). Cytogenetic location: 13q14.11.
Variant type: single nucleotide variant.
Coding change: c.506T>C on transcript NM_014252.4 (MANE Select); coding-DNA position 506, T replaced by C.
Protein change: p.Phe169Ser; replaces phenylalanine 169 with serine.
Molecular consequence: missense variant.
Genome position (GRCh38, 1-based): chr13:40,807,347, T>C. VCF-style: chr13-40807347-T-C. GRCh37 (hg19) VCF-style: chr13-41381483-T-C.
Other names: p.F169S:TTC>TCC; short protein forms F169S.
Identifiers: ClinVar variation 203940 (VCV000203940.5), dbSNP rs796052041, ClinGen allele CA312982.